The following is an entry in ClinVar:

NM_002544.5(OMG):c.231T>C (p.Tyr77=)

Genes: NF1 (neurofibromin 1; plus strand), OMG (oligodendrocyte myelin glycoprotein; minus strand). Cytogenetic location: 17q11.2.
Variant type: single nucleotide variant.
Coding change: c.231T>C on transcript NM_002544.5 (MANE Select); coding-DNA position 231, T replaced by C.
Protein change: p.Tyr77=; no amino-acid change (tyrosine 77 retained).
Molecular consequence: synonymous variant. On other transcripts: intron variant (2).
Genome position (GRCh38, 1-based): chr17:31,296,101, A>G on the plus strand (T>C on the coding strand, the complement: OMG is on the minus strand). VCF-style: chr17-31296101-A-G. GRCh37 (hg19) VCF-style: chr17-29623119-A-G.
Other names: c.4836-29719A>G (NM_001042492.3); c.4773-29719A>G (NM_000267.4).
Identifiers: ClinVar variation 4085773 (VCV004085773.8).

ClinVar aggregate classification (germline): Likely benign (1 of 4 stars; one submission).

Submission:

CeGaT Center for Human Genetics Tuebingen
Classification: Likely benign. Last evaluated: 2025-08-01. Review status: criteria provided, single submitter. Criteria: CeGaT Center For Human Genetics Tuebingen Variant Classification Criteria Version 2. Collection method: clinical testing. Allele origin: germline. Affected: yes. Observed: 1 variant allele.
Comment: OMG: PM2:Supporting, BP4, BP7